The following is an entry in ClinVar:

NM_001134363.3(RBM20):c.363C>G (p.Asn121Lys)

Gene: RBM20 (RNA binding motif protein 20; plus strand). Cytogenetic location: 10q25.2.
Variant type: single nucleotide variant.
Coding change: c.363C>G on transcript NM_001134363.3 (MANE Select); coding-DNA position 363, C replaced by G.
Protein change: p.Asn121Lys; replaces asparagine 121 with lysine.
Molecular consequence: missense variant.
Genome position (GRCh38, 1-based): chr10:110,780,972, C>G. VCF-style: chr10-110780972-C-G. GRCh37 (hg19) VCF-style: chr10-112540730-C-G.
Other names: short protein forms N121K.
Identifiers: ClinVar variation 1980905 (VCV001980905.2), dbSNP rs727504930, ClinGen allele CA378379807.

ClinVar aggregate classification (germline): Uncertain significance (1 of 4 stars; one submission).

Conditions:
Dilated cardiomyopathy 1DD (CMD1DD). Identifiers: Orphanet 154, MedGen C2750995, MONDO:0013168, OMIM 613172.

gnomAD v4.1: 2 of 1,551,756 alleles (0.00013%); highest among the groups gnomAD compares: Non-Finnish European, 0.000087%; no homozygotes.

Submission:

Labcorp Genetics (formerly Invitae), Labcorp
Classification: Uncertain significance for Dilated cardiomyopathy 1DD. Last evaluated: 2023-01-26. Review status: criteria provided, single submitter. Criteria: Invitae Variant Classification Sherloc (09022015). Collection method: clinical testing. Allele origin: germline.
Comment: In summary, the available evidence is currently insufficient to determine the role of this variant in disease. Therefore, it has been classified as a Variant of Uncertain Significance. Advanced modeling of protein sequence and biophysical properties (such as structural, functional, and spatial information, amino acid conservation, physicochemical variation, residue mobility, and thermodynamic stability) has been performed at Invitae for this missense variant, however the output from this modeling did not meet the statistical confidence thresholds required to predict the impact of this variant on RBM20 protein function. This variant has not been reported in the literature in individuals affected with RBM20-related conditions. This variant is not present in population databases (gnomAD no frequency). This sequence change replaces asparagine, which is neutral and polar, with lysine, which is basic and polar, at codon 121 of the RBM20 protein (p.Asn121Lys).